The following is an entry in ClinVar:

NM_000458.4(HNF1B):c.1381A>G (p.Ser461Gly)

Gene: HNF1B (HNF1 homeobox B; minus strand). Cytogenetic location: 17q12.
Variant type: single nucleotide variant.
Coding change: c.1381A>G on transcript NM_000458.4 (MANE Select); coding-DNA position 1381, A replaced by G.
Protein change: p.Ser461Gly; replaces serine 461 with glycine.
Molecular consequence: missense variant. On other transcripts: intron variant (1).
Genome position (GRCh38, 1-based): chr17:37,701,136, T>C on the plus strand (A>G on the coding strand, the complement: HNF1B is on the minus strand). VCF-style: chr17-37701136-T-C. GRCh37 (hg19) VCF-style: chr17-36061141-T-C.
Other names: c.1303A>G, p.Ser435Gly (NM_001165923.4); c.1381A>G, p.Ser461Gly (NM_001411100.1); c.1261+3781A>G (NM_001304286.2); short protein forms S435G, S461G.
Identifiers: ClinVar variation 1771290 (VCV001771290.2), dbSNP rs2511700895, ClinGen allele CA398755878.

ClinVar aggregate classification (germline): Uncertain significance (1 of 4 stars; one submission).

Conditions:
Maturity-onset diabetes of the young (MODY). Also called: Maturity onset diabetes mellitus in young. Identifiers: Orphanet 552, MedGen C0342276, MONDO:0018911, HP:0004904.

Allele frequency attached by ClinVar (database versions not stated): gnomAD exomes below 0.00001.
gnomAD v4.1: 2 of 1,552,028 alleles (0.00013%); highest among the groups gnomAD compares: Non-Finnish European, 0.00017%; no homozygotes.

Submission:

Ambry Genetics
Classification: Uncertain significance for Maturity-onset diabetes of the young. Last evaluated: 2017-07-24. Review status: criteria provided, single submitter. Criteria: Ambry Variant Classification Scheme 2023. Collection method: clinical testing. Allele origin: germline.
Comment: The p.S461G variant (also known as c.1381A>G), located in coding exon 7 of the HNF1B gene, results from an A to G substitution at nucleotide position 1381. The serine at codon 461 is replaced by glycine, an amino acid with similar properties. This amino acid position is highly conserved in available vertebrate species. In addition, the in silico prediction for this alteration is inconclusive. Since supporting evidence is limited at this time, the clinical significance of this alteration remains unclear.